The following is an entry in ClinVar:

ClinVar aggregate classification (germline): Uncertain significance. Review status: criteria provided, multiple submitters, no conflicts (2 of 4 stars). 2 submissions from 2 submitters: Uncertain significance (2). Last evaluated 2024-10-27.

Conditions:
Long QT syndrome (LQTS). Identifiers: MedGen C0023976, MeSH D008133, MONDO:0002442. Disease mechanism: loss of function. Inheritance: Various modes of inheritance.
Cardiovascular phenotype. Identifiers: MedGen CN230736.

gnomAD v4.1: 1 of 1,614,084 alleles (0.000062%); highest among the groups gnomAD compares: East Asian, 0.0022%; no homozygotes.

Submissions (2):

Labcorp Genetics (formerly Invitae), Labcorp
Classification: Uncertain significance for Long QT syndrome. Last evaluated: 2024-10-27. Review status: criteria provided, single submitter. Criteria: Invitae Variant Classification Sherloc (09022015). Collection method: clinical testing. Allele origin: germline.
Comment: This sequence change replaces phenylalanine, which is neutral and non-polar, with valine, which is neutral and non-polar, at codon 97 of the CAV3 protein (p.Phe97Val). This variant is not present in population databases (gnomAD no frequency). This variant has not been reported in the literature in individuals affected with CAV3-related conditions. An algorithm developed to predict the effect of missense changes on protein structure and function (PolyPhen-2) suggests that this variant is likely to be disruptive. In summary, the available evidence is currently insufficient to determine the role of this variant in disease. Therefore, it has been classified as a Variant of Uncertain Significance.

Ambry Genetics
Classification: Uncertain significance for Cardiovascular phenotype. Last evaluated: 2024-10-15. Review status: criteria provided, single submitter. Criteria: Ambry Variant Classification Scheme 2023. Collection method: clinical testing. Allele origin: germline.
Comment: The p.F97V variant (also known as c.289T>G), located in coding exon 2 of the CAV3 gene, results from a T to G substitution at nucleotide position 289. The phenylalanine at codon 97 is replaced by valine, an amino acid with highly similar properties. This amino acid position is conserved. In addition, this alteration is predicted to be deleterious by in silico analysis. Based on the available evidence, the clinical significance of this variant remains unclear.

NM_033337.3(CAV3):c.289T>G (p.Phe97Val)

Genes: CAV3 (caveolin 3; plus strand), OXTR (oxytocin receptor; minus strand). Cytogenetic location: 3p25.3.
Variant type: single nucleotide variant.
Coding change: c.289T>G on transcript NM_033337.3 (MANE Select); coding-DNA position 289, T replaced by G.
Protein change: p.Phe97Val; replaces phenylalanine 97 with valine.
Molecular consequence: missense variant.
Genome position (GRCh38, 1-based): chr3:8,745,700, T>G. VCF-style: chr3-8745700-T-G. GRCh37 (hg19) VCF-style: chr3-8787386-T-G.
Other names: c.289T>G, p.Phe97Val (NM_001234.5); short protein forms F97V.
Identifiers: ClinVar variation 3485522 (VCV003485522.2).